The following is an entry in ClinVar:

ClinVar aggregate classification (germline): Conflicting classifications of pathogenicity. Review status: criteria provided, conflicting classifications (1 of 4 stars). 6 submissions from 6 submitters: Uncertain significance (1); Benign (1); Likely benign (3). 1 of the submissions does not count toward it. Last evaluated 2026-01-14.

Conditions:
EPS8-related disorder. Also called: EPS8-related condition.

Allele frequency attached by ClinVar (database versions not stated): 1000 Genomes Project 30x 0.00016; 1000 Genomes Project 0.00020; TOPMed 0.00108; gnomAD 0.00119 and 0.00123; ESP Exome Variant Server 0.00146; gnomAD exomes 0.00163; ExAC 0.00202.
gnomAD v4.1: 2,241 of 1,599,644 alleles (0.14%); highest among the groups gnomAD compares: Non-Finnish European, 0.15%; 6 homozygotes.

Submissions (6):

Labcorp Genetics (formerly Invitae), Labcorp
Classification: Benign. Last evaluated: 2026-01-14. Review status: criteria provided, single submitter. Criteria: Invitae Variant Classification Sherloc (09022015). Collection method: clinical testing. Allele origin: germline.

CeGaT Center for Human Genetics Tuebingen
Classification: Likely benign. Last evaluated: 2025-06-01. Review status: criteria provided, single submitter. Criteria: CeGaT Center For Human Genetics Tuebingen Variant Classification Criteria Version 2. Collection method: clinical testing. Allele origin: germline. Affected: yes. Observed: 1 variant allele.
Comment: EPS8: BP4, BP7

Blueprint Genetics
Classification: Likely benign. Last evaluated: 2024-11-22. Review status: criteria provided, single submitter. Criteria: ACMG Guidelines, 2015. Collection method: clinical testing. Allele origin: germline.

GeneDx
Classification: Likely benign. Last evaluated: 2020-09-22. Review status: criteria provided, single submitter. Criteria: GeneDx Variant Classification Process June 2021. Collection method: clinical testing. Allele origin: germline. Affected: yes.

Eurofins Ntd Llc (ga)
Classification: Uncertain significance. Last evaluated: 2017-02-06. Review status: criteria provided, single submitter. Criteria: EGL Classification Definitions 2015. Collection method: clinical testing. Allele origin: germline. Observed: 2 variant alleles, 2 heterozygotes.

PreventionGenetics, part of Exact Sciences
Classification: Likely benign for EPS8-related condition. Last evaluated: 2020-01-06. Review status: no assertion criteria provided. Collection method: clinical testing. Allele origin: germline. Not counted in ClinVar's aggregate classification.
Comment: This variant is classified as likely benign based on ACMG/AMP sequence variant interpretation guidelines (Richards et al. 2015 PMID: 25741868, with internal and published modifications).

NM_004447.6(EPS8):c.1638C>T (p.Asn546=)

Gene: EPS8 (EGFR pathway substrate 8, signaling adaptor; minus strand). Cytogenetic location: 12p12.3.
Variant type: single nucleotide variant.
Coding change: c.1638C>T on transcript NM_004447.6 (MANE Select); coding-DNA position 1638, C replaced by T.
Protein change: p.Asn546=; no amino-acid change (asparagine 546 retained).
Molecular consequence: synonymous variant.
Genome position (GRCh38, 1-based): chr12:15,641,761, G>A on the plus strand (C>T on the coding strand, the complement: EPS8 is on the minus strand). VCF-style: chr12-15641761-G-A. GRCh37 (hg19) VCF-style: chr12-15794695-G-A.
Identifiers: ClinVar variation 500058 (VCV000500058.28), dbSNP rs149455769, ClinGen allele CA6467495.